The following is an entry in ClinVar:

ClinVar aggregate classification (germline): Uncertain significance (1 of 4 stars; one submission).

Conditions:
Hereditary cancer-predisposing syndrome. Also called: Tumor predisposition; Hereditary Cancer Syndrome; Hereditary neoplastic syndrome; Neoplastic Syndromes, Hereditary. Identifiers: Orphanet 140162, MedGen C0027672, MeSH D009386, MONDO:0015356.

gnomAD v4.1: 1 of 1,592,352 alleles (0.000063%); highest among the groups gnomAD compares: Non-Finnish European, 0.000085%; no homozygotes.

Submission:

Ambry Genetics
Classification: Uncertain significance for Hereditary cancer-predisposing syndrome. Last evaluated: 2024-04-20. Review status: criteria provided, single submitter. Criteria: Ambry Variant Classification Scheme 2023. Collection method: clinical testing. Allele origin: germline.
Comment: The p.G212E variant (also known as c.635G>A), located in coding exon 3 of the PHOX2B gene, results from a G to A substitution at nucleotide position 635. The glycine at codon 212 is replaced by glutamic acid, an amino acid with similar properties. This amino acid position is conserved. In addition, this alteration is predicted to be tolerated by in silico analysis. Based on the available evidence, the clinical significance of this variant remains unclear.

NM_003924.4(PHOX2B):c.635G>A (p.Gly212Glu)

Gene: PHOX2B (paired like homeobox 2B; minus strand). Cytogenetic location: 4p13.
Variant type: single nucleotide variant.
Coding change: c.635G>A on transcript NM_003924.4 (MANE Select); coding-DNA position 635, G replaced by A.
Protein change: p.Gly212Glu; replaces glycine 212 with glutamic acid.
Molecular consequence: missense variant.
Genome position (GRCh38, 1-based): chr4:41,746,117, C>T on the plus strand (G>A on the coding strand, the complement: PHOX2B is on the minus strand). VCF-style: chr4-41746117-C-T. GRCh37 (hg19) VCF-style: chr4-41748134-C-T.
Other names: short protein forms G212E.
Identifiers: ClinVar variation 3306275 (VCV003306275.1).
Genomic context (GRCh38, chr4:41,746,117, plus strand): 5'-GGGCCCCCGGGCCCCGCCGCCCCCGGAGCTCCAGCCGGGCTGGGCCCGCCGCCGCCGCCT[C>T]CATTCGCCCCGCAGCTGGGGGTGGGGTTGGGATTGGGACCTGGGCCCCCAGTGCTGTCCG-3'
Protein context (NP_003915.2, residues 202-222): PNPTPSCGAN[Gly212Glu]GGGGGPSPAG